The following is an entry in ClinVar:

ClinVar aggregate classification (germline): Uncertain significance (1 of 4 stars; one submission).

Submission:

Ambry Genetics
Classification: Uncertain significance. Last evaluated: 2026-01-14. Review status: criteria provided, single submitter. Criteria: Ambry Variant Classification Scheme 2023. Collection method: clinical testing. Allele origin: germline.
Comment: The p.E663D variant (also known as c.1989G>C), located in coding exon 13 of the RINT1 gene, results from a G to C substitution at nucleotide position 1989. The glutamic acid at codon 663 is replaced by aspartic acid, an amino acid with highly similar properties. This amino acid position is conserved. In addition, this alteration is predicted to be tolerated by in silico analysis. Based on the available evidence, the clinical significance of this variant remains unclear.

NM_021930.6(RINT1):c.1989G>C (p.Glu663Asp)

Genes: EFCAB10 (EF-hand calcium binding domain 10; minus strand), RINT1 (RAD50 interactor 1; plus strand). Cytogenetic location: 7q22.3.
Variant type: single nucleotide variant.
Coding change: c.1989G>C on transcript NM_021930.6 (MANE Select); coding-DNA position 1989, G replaced by C.
Protein change: p.Glu663Asp; replaces glutamic acid 663 with aspartic acid.
Molecular consequence: missense variant. On other transcripts: 3 prime UTR variant (3), non-coding transcript variant (1).
Genome position (GRCh38, 1-based): chr7:105,565,379, G>C. VCF-style: chr7-105565379-G-C. GRCh37 (hg19) VCF-style: chr7-105205826-G-C.
Other names: c.*68C>G (NM_001355526.2); c.*170C>G (NM_001355530.2); c.*23C>G (NM_001355531.2); c.1755G>C, p.Glu585Asp (NM_001346599.2); c.966G>C, p.Glu322Asp (NM_001346600.2, NM_001346603.2); c.1065G>C, p.Glu355Asp (NM_001346601.2); short protein forms E355D, E585D, E322D, E663D.
Identifiers: ClinVar variation 4841720 (VCV004841720.1).
Genomic context (GRCh38, chr7:105,565,379, plus strand): 5'-CCTGTCCAGTTCGGCTTGCCCGTTGCTGCTGACGTTACGAGACCATTTACTTCAGTTGGA[G>C]CAGCAGCTTTGTTTCTCCTTATTTAAAATTTTCTGGCAAATGCTTGTAGAGAAGCTGGAT-3'
Protein context (NP_068749.3, residues 653-673): LTLRDHLLQL[Glu663Asp]QQLCFSLFKI